The following is an entry in ClinVar:

ClinVar aggregate classification (germline): Uncertain significance (1 of 4 stars; one submission).

Conditions:
Familial thoracic aortic aneurysm and aortic dissection (TAAD). Also called: Thoracic aortic aneurysms and dissections. Identifiers: Orphanet 91387, MedGen C4707243, MONDO:0019625.

Submission:

Ambry Genetics
Classification: Uncertain significance for Familial thoracic aortic aneurysm and aortic dissection. Last evaluated: 2024-05-26. Review status: criteria provided, single submitter. Criteria: Ambry Variant Classification Scheme 2023. Collection method: clinical testing. Allele origin: germline.
Comment: The p.A1906P variant (also known as c.5716G>C), located in coding exon 31 of the NOTCH1 gene, results from a G to C substitution at nucleotide position 5716. The alanine at codon 1906 is replaced by proline, an amino acid with highly similar properties. This amino acid position is conserved. In addition, the in silico prediction for this alteration is inconclusive. Based on the available evidence, the clinical significance of this variant remains unclear.

NM_017617.5(NOTCH1):c.5716G>C (p.Ala1906Pro)

Gene: NOTCH1 (notch receptor 1; minus strand). Cytogenetic location: 9q34.3.
Variant type: single nucleotide variant.
Coding change: c.5716G>C on transcript NM_017617.5 (MANE Select); coding-DNA position 5716, G replaced by C.
Protein change: p.Ala1906Pro; replaces alanine 1906 with proline.
Molecular consequence: missense variant.
Genome position (GRCh38, 1-based): chr9:136,500,770, C>G on the plus strand (G>C on the coding strand, the complement: NOTCH1 is on the minus strand). VCF-style: chr9-136500770-C-G. GRCh37 (hg19) VCF-style: chr9-139395222-C-G.
Other names: short protein forms A1906P.
Identifiers: ClinVar variation 3300470 (VCV003300470.1).
Genomic context (GRCh38, chr9:136,500,770, plus strand): 5'-GGTCTGTCTGGTTGTGCAGGCTGGCGCCCTGGTAGATGAAGTCGGAGATGACGGCCGGCG[C>G]GTCCTCCTCTTCCTCGCTGTTGCCCGTCTCCAGGCCGCCCCCGCTGCAGGAGGCGATCAT-3'
Protein context (NP_060087.3, residues 1896-1916): ETGNSEEEED[Ala1906Pro]PAVISDFIYQ